The following is an entry in ClinVar:

NM_000275.3(OCA2):c.44C>A (p.Pro15Gln)

Gene: OCA2 (OCA2 melanosomal transmembrane protein; minus strand). Cytogenetic location: 15q13.1.
Variant type: single nucleotide variant.
Coding change: c.44C>A on transcript NM_000275.3 (MANE Select); coding-DNA position 44, C replaced by A.
Protein change: p.Pro15Gln; replaces proline 15 with glutamine.
Molecular consequence: missense variant.
Genome position (GRCh38, 1-based): chr15:28,081,831, G>T on the plus strand (C>A on the coding strand, the complement: OCA2 is on the minus strand). VCF-style: chr15-28081831-G-T. GRCh37 (hg19) VCF-style: chr15-28326977-G-T.
Other names: c.44C>A, p.Pro15Gln (NM_001300984.2); short protein forms P15Q.
Identifiers: ClinVar variation 1507033 (VCV001507033.7), dbSNP rs201291702, ClinGen allele CA391366861.

ClinVar aggregate classification (germline): Uncertain significance (1 of 4 stars; one submission).

Submission:

Labcorp Genetics (formerly Invitae), Labcorp
Classification: Uncertain significance. Last evaluated: 2022-07-12. Review status: criteria provided, single submitter. Criteria: Invitae Variant Classification Sherloc (09022015). Collection method: clinical testing. Allele origin: germline.
Comment: This sequence change replaces proline, which is neutral and non-polar, with glutamine, which is neutral and polar, at codon 15 of the OCA2 protein (p.Pro15Gln). This variant is not present in population databases (gnomAD no frequency). This variant has not been reported in the literature in individuals affected with OCA2-related conditions. ClinVar contains an entry for this variant (Variation ID: 1507033). Advanced modeling of protein sequence and biophysical properties (such as structural, functional, and spatial information, amino acid conservation, physicochemical variation, residue mobility, and thermodynamic stability) performed at Invitae indicates that this missense variant is not expected to disrupt OCA2 protein function. Algorithms developed to predict the effect of sequence changes on RNA splicing suggest that this variant may create or strengthen a splice site. In summary, the available evidence is currently insufficient to determine the role of this variant in disease. Therefore, it has been classified as a Variant of Uncertain Significance.